The following is an entry in ClinVar:

NM_182961.4(SYNE1):c.15202A>G (p.Lys5068Glu)

Gene: SYNE1 (spectrin repeat containing nuclear envelope protein 1; minus strand). Cytogenetic location: 6q25.2.
Variant type: single nucleotide variant.
Coding change: c.15202A>G on transcript NM_182961.4 (MANE Select); coding-DNA position 15202, A replaced by G.
Protein change: p.Lys5068Glu; replaces lysine 5068 with glutamic acid.
Molecular consequence: missense variant.
Genome position (GRCh38, 1-based): chr6:152,326,387, T>C on the plus strand (A>G on the coding strand, the complement: SYNE1 is on the minus strand). VCF-style: chr6-152326387-T-C. GRCh37 (hg19) VCF-style: chr6-152647522-T-C.
Other names: c.14989A>G, p.Lys4997Glu (NM_033071.5); short protein forms K4997E, K5068E.
Identifiers: ClinVar variation 288888 (VCV000288888.20), dbSNP rs139805184, ClinGen allele CA4055861.

ClinVar aggregate classification (germline): Uncertain significance. Review status: criteria provided, multiple submitters, no conflicts (2 of 4 stars). 7 submissions from 7 submitters: Uncertain significance (7). Last evaluated 2025-07-24.

Conditions:
Inborn genetic diseases. Identifiers: MedGen C0950123, MeSH D030342.
Autosomal recessive ataxia, Beauce type. Also called: Spinocerebellar ataxia, autosomal recessive 8; ATAXIA, RECESSIVE, OF BEAUCE; SYNE1 Deficiency; SYNE1-Related Autosomal Recessive Cerebellar Ataxia. Identifiers: Orphanet 88644, MedGen C1853116, MONDO:0012549, OMIM 610743.
Emery-Dreifuss muscular dystrophy 4, autosomal dominant (EDMD4). Also called: EMERY-DREIFUSS MUSCULAR DYSTROPHY 4 WITH VARIABLE FEATURES. Identifiers: Orphanet 261, MedGen C2751807, MONDO:0013071, OMIM 612998.

Allele frequency attached by ClinVar (database versions not stated): ExAC 0.00012; gnomAD exomes 0.00012 and 0.00013; 1000 Genomes Project 30x 0.00016; gnomAD 0.00019 and 0.00021; 1000 Genomes Project 0.00020; TOPMed 0.00020; ESP Exome Variant Server 0.00046.
gnomAD v4.1: 209 of 1,614,228 alleles (0.013%); highest among the groups gnomAD compares: Admixed American, 0.027%; no homozygotes.

Submissions (7):

Women's Health and Genetics/Laboratory Corporation of America, LabCorp
Classification: Uncertain significance. Last evaluated: 2025-07-24. Review status: criteria provided, single submitter. Criteria: LabCorp Variant Classification Summary - May 2015. Collection method: clinical testing. Allele origin: germline.
Comment: Variant summary: SYNE1 c.14989A>G (p.Lys4997Glu) results in a conservative amino acid change in the encoded protein sequence. Algorithms developed to predict the effect of missense changes on protein structure and function are either unavailable or do not agree on the potential impact of this missense change. The variant allele was found at a frequency of 0.00012 in 251430 control chromosomes. This frequency is not significantly higher than estimated for a pathogenic variant in SYNE1 causing Emery-Dreifuss muscular dystrophy 4, autosomal dominant, allowing no conclusion about variant significance. To our knowledge, no occurrence of c.14989A>G in individuals affected with Emery-Dreifuss muscular dystrophy 4, autosomal dominant and no experimental evidence demonstrating its impact on protein function have been reported. ClinVar contains an entry for this variant (Variation ID: 288888). Based on the evidence outlined above, the variant was classified as uncertain significance.

GeneDx
Classification: Uncertain significance. Last evaluated: 2025-04-15. Review status: criteria provided, single submitter. Criteria: GeneDx Variant Classification Process June 2021. Collection method: clinical testing. Allele origin: germline. Affected: yes.
Comment: In silico analysis supports that this missense variant has a deleterious effect on protein structure/function; Has not been previously published as pathogenic or benign to our knowledge

Athena Diagnostics
Classification: Uncertain significance. Last evaluated: 2024-06-11. Review status: criteria provided, single submitter. Criteria: Athena Diagnostics Criteria. Collection method: clinical testing. Allele origin: unknown.
Comment: Available data are insufficient to determine the clinical significance of the variant at this time. The frequency of this variant in the general population is uninformative in assessment of its pathogenicity. Polyphen and MutationTaster predict this amino acid change may be benign.

Labcorp Genetics (formerly Invitae), Labcorp
Classification: Uncertain significance for Emery-Dreifuss muscular dystrophy 4, autosomal dominant; Autosomal recessive ataxia, Beauce type. Last evaluated: 2024-01-04. Review status: criteria provided, single submitter. Criteria: Invitae Variant Classification Sherloc (09022015). Collection method: clinical testing. Allele origin: germline.
Comment: This sequence change replaces lysine, which is basic and polar, with glutamic acid, which is acidic and polar, at codon 4997 of the SYNE1 protein (p.Lys4997Glu). This variant is present in population databases (rs139805184, gnomAD 0.02%). This variant has not been reported in the literature in individuals affected with SYNE1-related conditions. ClinVar contains an entry for this variant (Variation ID: 288888). An algorithm developed to predict the effect of missense changes on protein structure and function (PolyPhen-2) suggests that this variant¬†is likely to be tolerated. In summary, the available evidence is currently insufficient to determine the role of this variant in disease. Therefore, it has been classified as a Variant of Uncertain Significance.

Ambry Genetics
Classification: Uncertain significance for Inborn genetic diseases. Last evaluated: 2021-09-30. Review status: criteria provided, single submitter. Criteria: Ambry Variant Classification Scheme 2023. Collection method: clinical testing. Allele origin: germline.

Revvity Omics, Revvity
Classification: Uncertain significance. Last evaluated: 2019-10-22. Review status: criteria provided, single submitter. Criteria: ACMG Guidelines, 2015. Collection method: clinical testing. Allele origin: germline.

Eurofins Ntd Llc (ga)
Classification: Uncertain significance. Last evaluated: 2018-04-24. Review status: criteria provided, single submitter. Criteria: EGL ClinVar v180209 classification definitions. Collection method: clinical testing. Allele origin: germline. Observed: 4 variant alleles, 4 heterozygotes.